The following is an entry in ClinVar:

NM_006922.4(SCN3A):c.5536C>T (p.Arg1846Trp)

Gene: SCN3A (sodium voltage-gated channel alpha subunit 3; minus strand). Cytogenetic location: 2q24.3.
Variant type: single nucleotide variant.
Coding change: c.5536C>T on transcript NM_006922.4 (MANE Select); coding-DNA position 5536, C replaced by T.
Protein change: p.Arg1846Trp; replaces arginine 1846 with tryptophan.
Molecular consequence: missense variant.
Genome position (GRCh38, 1-based): chr2:165,090,617, G>A on the plus strand (C>T on the coding strand, the complement: SCN3A is on the minus strand). VCF-style: chr2-165090617-G-A. GRCh37 (hg19) VCF-style: chr2-165947127-G-A.
Other names: c.5389C>T, p.Arg1797Trp (NM_001081676.2, NM_001081677.2); c.5536C>T (NM_006922.3); short protein forms R1797W, R1846W.
Identifiers: ClinVar variation 1424477 (VCV001424477.9), dbSNP rs1335449033, ClinGen allele CA349011591.

ClinVar aggregate classification (germline): Uncertain significance. Review status: criteria provided, multiple submitters, no conflicts (2 of 4 stars). 2 submissions from 2 submitters: Uncertain significance (2). Last evaluated 2025-08-09.

Conditions:
Inborn genetic diseases. Identifiers: MedGen C0950123, MeSH D030342.

Allele frequency attached by ClinVar (database versions not stated): gnomAD 0.00001 and 0.00002; gnomAD exomes 0.00001; TOPMed 0.00001.
gnomAD v4.1: 12 of 1,613,848 alleles (0.00074%); highest among the groups gnomAD compares: South Asian, 0.0011%; no homozygotes.

Submissions (2):

Ambry Genetics
Classification: Uncertain significance for Inborn genetic diseases. Last evaluated: 2025-08-09. Review status: criteria provided, single submitter. Criteria: Ambry Variant Classification Scheme 2023. Collection method: clinical testing. Allele origin: germline.

Labcorp Genetics (formerly Invitae), Labcorp
Classification: Uncertain significance. Last evaluated: 2024-03-21. Review status: criteria provided, single submitter. Criteria: Invitae Variant Classification Sherloc (09022015). Collection method: clinical testing. Allele origin: germline.
Comment: This sequence change replaces arginine, which is basic and polar, with tryptophan, which is neutral and slightly polar, at codon 1846 of the SCN3A protein (p.Arg1846Trp). This variant is not present in population databases (gnomAD no frequency). This variant has not been reported in the literature in individuals affected with SCN3A-related conditions. ClinVar contains an entry for this variant (Variation ID: 1424477). Advanced modeling of protein sequence and biophysical properties (such as structural, functional, and spatial information, amino acid conservation, physicochemical variation, residue mobility, and thermodynamic stability) has been performed at Invitae for this missense variant, however the output from this modeling did not meet the statistical confidence thresholds required to predict the impact of this variant on SCN3A protein function. In summary, the available evidence is currently insufficient to determine the role of this variant in disease. Therefore, it has been classified as a Variant of Uncertain Significance.